The following is an entry in ClinVar:

ClinVar aggregate classification (germline): Uncertain significance (1 of 4 stars; one submission).

Submission:

Ambry Genetics
Classification: Uncertain significance. Last evaluated: 2026-09-04. Review status: criteria provided, single submitter. Criteria: Ambry Variant Classification Scheme 2023. Collection method: clinical testing. Allele origin: germline.
Comment: The p.T1246R variant (also known as c.3737C>G), located in coding exon 13 of the CDK12 gene, results from a C to G substitution at nucleotide position 3737. The threonine at codon 1246 is replaced by arginine, an amino acid with similar properties. This amino acid position is conserved. In addition, the in silico prediction for this alteration is inconclusive. Based on the available evidence, the clinical significance of this variant remains unclear.

NM_016507.4(CDK12):c.3737C>G (p.Thr1246Arg)

Gene: CDK12 (cyclin dependent kinase 12; plus strand). Cytogenetic location: 17q12.
Variant type: single nucleotide variant.
Coding change: c.3737C>G on transcript NM_016507.4 (MANE Select); coding-DNA position 3737, C replaced by G.
Protein change: p.Thr1246Arg; replaces threonine 1246 with arginine.
Molecular consequence: missense variant.
Genome position (GRCh38, 1-based): chr17:39,526,293, C>G. VCF-style: chr17-39526293-C-G. GRCh37 (hg19) VCF-style: chr17-37682546-C-G.
Other names: c.3737C>G, p.Thr1246Arg (NM_015083.4); short protein forms T1246R.
Identifiers: ClinVar variation 5034181 (VCV005034181.1).
Genomic context (GRCh38, chr17:39,526,293, plus strand): 5'-GTCTGGAGGAAAACAACAGTGACAAGAACAGTGGGCCACAGGGGCCCCGAAGAACTCCCA[C>G]AATGCCACAGGAGGAGGCAGCAGGTAAACAGACCGGTCATGAATCTCATTGAGCTCAGGT-3'
Protein context (NP_057591.2, residues 1236-1256): SGPQGPRRTP[Thr1246Arg]MPQEEAAACP